The following is an entry in ClinVar:

ClinVar aggregate classification (germline): Pathogenic. Review status: criteria provided, multiple submitters, no conflicts (2 of 4 stars). 6 submissions from 6 submitters: Pathogenic (4). 2 of the submissions do not count toward it. Last evaluated 2023-06-29.

Conditions:
PKLR-related disorder. Also called: PKLR-related condition.
Pyruvate kinase deficiency of red cells (CNSHA2). Also called: PK DEFICIENCY; PYRUVATE KINASE DEFICIENCY OF ERYTHROCYTE; Pyruvate kinase deficiency, Amish type. Identifiers: Orphanet 766, MedGen C0340968, MONDO:0009950, OMIM 266200.

Submissions (6):

Blueprint Genetics
Classification: Pathogenic for PKLR-related disorders. Last evaluated: 2023-06-29. Review status: criteria provided, single submitter. Criteria: ACMG Guidelines, 2015. Collection method: clinical testing. Allele origin: germline. Affected: yes. Observed: 4 variant alleles.

Revvity Omics, Revvity
Classification: Pathogenic. Last evaluated: 2023-05-02. Review status: criteria provided, single submitter. Criteria: ACMG Guidelines, 2015. Collection method: clinical testing. Allele origin: germline.

Labcorp Genetics (formerly Invitae), Labcorp
Classification: Pathogenic. Last evaluated: 2022-09-06. Review status: criteria provided, single submitter. Criteria: Invitae Variant Classification Sherloc (09022015). Collection method: clinical testing. Allele origin: germline.
Comment: This sequence change creates a premature translational stop signal (p.Val276Trpfs*45) in the PKLR gene. It is expected to result in an absent or disrupted protein product. Loss-of-function variants in PKLR are known to be pathogenic (PMID: 15953013, 26832193). For these reasons, this variant has been classified as Pathogenic. ClinVar contains an entry for this variant (Variation ID: 1163645). This premature translational stop signal has been observed in individual(s) with pyruvate kinase deficiency (PMID: 16704447, 17574881, 27354418). This variant is present in population databases (rs754939638, gnomAD 0.004%).

Mayo Clinic Laboratories, Mayo Clinic
Classification: Pathogenic. Last evaluated: 2019-06-20. Review status: criteria provided, single submitter. Criteria: ACMG Guidelines, 2015. Collection method: clinical testing. Allele origin: germline. Observed: 1 variant allele.
Comment: PVS1, PS4_moderate, PM3, PP4

PreventionGenetics, part of Exact Sciences
Classification: Pathogenic for PKLR-related condition. Last evaluated: 2024-05-29. Review status: no assertion criteria provided. Collection method: clinical testing. Allele origin: germline. Not counted in ClinVar's aggregate classification.
Comment: The PKLR c.826delG variant is predicted to result in a frameshift and premature protein termination (p.Val276Trpfs*45). This variant has previously been reported to occur on the same allele as c.721G>T (p.Glu241*) in compound heterozygous individuals with pyruvate kinase deficiency (Christensen RD et al 2016. PubMed ID: 27354418; Percy MJ et al 2007. PubMed ID: 17574881). This variant is reported in 0.0053% of alleles in individuals of European (non-Finnish) descent in gnomAD. Frameshift variants in PKLR are expected to be pathogenic. This variant is interpreted as pathogenic.

OMIM
Classification: Pathogenic for ANEMIA, CONGENITAL, NONSPHEROCYTIC HEMOLYTIC, 2. Last evaluated: 2008-04-24. Review status: no assertion criteria provided. Collection method: literature only. Allele origin: germline. Not counted in ClinVar's aggregate classification.

Literature cited by the submitters: PubMed 15953013 (cited by Labcorp Genetics (formerly Invitae), Labcorp); PubMed 26832193 (cited by Labcorp Genetics (formerly Invitae), Labcorp and Mayo Clinic Laboratories, Mayo Clinic); PubMed 16704447 (cited by Labcorp Genetics (formerly Invitae), Labcorp and Mayo Clinic Laboratories, Mayo Clinic); PubMed 17574881 (cited by Labcorp Genetics (formerly Invitae), Labcorp and Mayo Clinic Laboratories, Mayo Clinic); PubMed 27354418 (cited by Labcorp Genetics (formerly Invitae), Labcorp and Mayo Clinic Laboratories, Mayo Clinic); PubMed 26087744 (cited by Mayo Clinic Laboratories, Mayo Clinic); PubMed 11960989 (cited by Mayo Clinic Laboratories, Mayo Clinic); PubMed 18420493 (cited by OMIM).

NM_000298.6(PKLR):c.826del (p.Val276fs)

Gene: PKLR (pyruvate kinase L/R; minus strand). Cytogenetic location: 1q22.
Variant type: Deletion.
Coding change: c.826del on transcript NM_000298.6 (MANE Select); coding-DNA position 826, one base deleted (G; older notation c.826delG).
Protein change: p.Val276fs; shifts the reading frame from valine 276.
Molecular consequence: frameshift variant.
Genome position (GRCh38, 1-based): chr1:155,294,621, C deleted on the plus strand (G on the coding strand, the reverse complement: PKLR is on the minus strand); the first of 4 consecutive C bases (chr1:155,294,621-155,294,624); deleting any one gives the same sequence. VCF-style (leftmost placement, unchanged base first): chr1-155294620-AC-A. GRCh37 (hg19) VCF-style: chr1-155264411-AC-A.
Other names: c.826delG (NM_000298.5); c.733del, p.Val245fs (NM_181871.4); short protein forms V245fs, V276fs.
Identifiers: ClinVar variation 1163645 (VCV001163645.20), dbSNP rs754939638, ClinGen allele CA1144198.